The following is an entry in ClinVar:

NM_003244.4(TGIF1):c.242A>G (p.Gln81Arg)

Gene: TGIF1 (TGFB induced factor homeobox 1; plus strand). Cytogenetic location: 18p11.31.
Variant type: single nucleotide variant.
Coding change: c.242A>G on transcript NM_003244.4 (MANE Select); coding-DNA position 242, A replaced by G.
Protein change: p.Gln81Arg; replaces glutamine 81 with arginine.
Molecular consequence: missense variant.
Genome position (GRCh38, 1-based): chr18:3,456,579, A>G. VCF-style: chr18-3456579-A-G. GRCh37 (hg19) VCF-style: chr18-3456577-A-G.
Other names: c.251A>G, p.Gln84Arg (NM_001278682.2); c.242A>G, p.Gln81Arg (NM_001278684.2, NM_173208.3); c.182A>G, p.Gln61Arg (NM_001278686.3, NM_001374396.1, NM_001374397.1 and 5 more transcripts); c.284A>G, p.Gln95Arg (NM_173207.4); short protein forms Q61R, Q81R, Q84R, Q95R.
Identifiers: ClinVar variation 1307847 (VCV001307847.2), dbSNP rs2143407769, ClinGen allele CA401722725.

ClinVar aggregate classification (germline): Uncertain significance (1 of 4 stars; one submission).

Submission:

GeneDx
Classification: Uncertain significance. Last evaluated: 2019-08-16. Review status: criteria provided, single submitter. Criteria: GeneDx Variant Classification Process June 2021. Collection method: clinical testing. Allele origin: germline. Affected: yes.
Comment: Not observed in large population cohorts (Lek et al., 2016); In silico analysis, which includes protein predictors and evolutionary conservation, supports a deleterious effect; In-silico analysis, which includes splice predictors and evolutionary conservation, is inconclusive as to whether the variant alters gene splicing. In the absence of RNA/functional studies, the actual effect of this sequence change is unknown.; Has not been previously published as pathogenic or benign to our knowledge